The following is an entry in ClinVar:

NM_006070.6(TFG):c.723T>C (p.Gly241=)

Gene: TFG (trafficking from ER to golgi regulator; plus strand). Cytogenetic location: 3q12.2.
Variant type: single nucleotide variant.
Coding change: c.723T>C on transcript NM_006070.6 (MANE Select); coding-DNA position 723, T replaced by C.
Protein change: p.Gly241=; no amino-acid change (glycine 241 retained).
Molecular consequence: synonymous variant.
Genome position (GRCh38, 1-based): chr3:100,744,834, T>C. VCF-style: chr3-100744834-T-C. GRCh37 (hg19) VCF-style: chr3-100463678-T-C.
Other names: c.723T>C, p.Gly241= (NM_001007565.2, NM_001195478.2); c.711T>C, p.Gly237= (NM_001195479.2).
Identifiers: ClinVar variation 3896676 (VCV003896676.2).
Genomic context (GRCh38, chr3:100,744,834, plus strand): 5'-TTCTCTTTGCCACATTAAACATGCCTTTTTTCCTTGTGTGTGTGTGTGTGTGTTTTCAGG[T>C]CAGATGTACCAACAGTACCAGCAACAGGCCGGCTATGGTGCACAGCAGCCGCAGGCTCCA-3'
Protein context (NP_006061.2, residues 231-251): GAQTQAGQIE[Gly241=]QMYQQYQQQA

ClinVar aggregate classification (germline): Uncertain significance (1 of 4 stars; one submission).

Submission:

Women's Health and Genetics/Laboratory Corporation of America, LabCorp
Classification: Uncertain significance. Last evaluated: 2025-04-23. Review status: criteria provided, single submitter. Criteria: LabCorp Variant Classification Summary - May 2015. Collection method: clinical testing. Allele origin: germline.
Comment: Variant summary: TFG c.723T>C (p.Gly241Gly) alters a conserved nucleotide located close to a canonical splice site and therefore could affect mRNA splicing, leading to a significantly altered protein sequence. Consensus agreement among computation tools predict no significant impact on normal splicing. However, these predictions have yet to be confirmed by functional studies. The variant was absent in 250634 control chromosomes. The available data on variant occurrences in the general population are insufficient to allow any conclusion about variant significance. To our knowledge, no occurrence of c.723T>C in individuals affected with Hereditary spastic paraplegia 57 and no experimental evidence demonstrating its impact on protein function have been reported. No submitters have cited clinical-significance assessments for this variant to ClinVar. Based on the evidence outlined above, the variant was classified as uncertain significance.